The following is an entry in ClinVar:

ClinVar aggregate classification (germline): Benign/Likely benign. Review status: criteria provided, multiple submitters, no conflicts (2 of 4 stars). 6 submissions from 6 submitters: Benign (3); Likely benign (2). 1 of the submissions does not count toward it. Last evaluated 2025-06-20.

Conditions:
Spinocerebellar ataxia type 35. Identifiers: Orphanet 276193, MedGen C3888031, MONDO:0013485, OMIM 613908.
TGM6-related disorder. Also called: TGM6-related condition.

Allele frequency attached by ClinVar (database versions not stated): ESP Exome Variant Server 0.00092; gnomAD exomes 0.00018; ExAC 0.00029; 1000 Genomes Project 0.00040; 1000 Genomes Project 30x 0.00062; TOPMed 0.00071; gnomAD 0.00073 and 0.00080.
gnomAD v4.1: 230 of 1,614,116 alleles (0.014%); highest among the groups gnomAD compares: African/African-American, 0.26%; 3 homozygotes.

Submissions (6):

Labcorp Genetics (formerly Invitae), Labcorp
Classification: Likely benign. Last evaluated: 2025-06-20. Review status: criteria provided, single submitter. Criteria: Invitae Variant Classification Sherloc (09022015). Collection method: clinical testing. Allele origin: germline.

CeGaT Center for Human Genetics Tuebingen
Classification: Benign. Last evaluated: 2024-01-01. Review status: criteria provided, single submitter. Criteria: CeGaT Center For Human Genetics Tuebingen Variant Classification Criteria Version 2. Collection method: clinical testing. Allele origin: germline. Affected: yes. Observed: 2 variant alleles.
Comment: TGM6: BS1, BS2

Athena Diagnostics
Classification: Benign. Last evaluated: 2020-10-22. Review status: criteria provided, single submitter. Criteria: Athena Diagnostics criteria. Collection method: clinical testing. Allele origin: unknown.

Illumina Laboratory Services, Illumina
Classification: Benign for Spinocerebellar ataxia type 35. Last evaluated: 2018-01-12. Review status: criteria provided, single submitter. Criteria: ICSL Variant Classification Criteria 13 December 2019. Collection method: clinical testing. Allele origin: germline.
Comment: This variant was observed in the ICSL laboratory as part of a predisposition screen in an ostensibly healthy population. It had not been previously curated by ICSL or reported in the Human Gene Mutation Database (HGMD: prior to June 1st, 2018), and was therefore a candidate for classification through an automated scoring system. Utilizing variant allele frequency, disease prevalence and penetrance estimates, and inheritance mode, an automated score was calculated to assess if this variant is too frequent to cause the disease. Based on the score and internal cut-off values, a variant classified as benign is not then subjected to further curation. The score for this variant resulted in a classification of benign for this disease.

Breakthrough Genomics
Classification: Likely benign. Review status: criteria provided, single submitter. Criteria: ACMG Guidelines, 2015. Collection method: not provided. Allele origin: germline. Inheritance: Autosomal dominant inheritance. Affected: yes.

PreventionGenetics, part of Exact Sciences
Classification: Likely benign for TGM6-related condition. Last evaluated: 2024-05-22. Review status: no assertion criteria provided. Collection method: clinical testing. Allele origin: germline. Not counted in ClinVar's aggregate classification.
Comment: This variant is classified as likely benign based on ACMG/AMP sequence variant interpretation guidelines (Richards et al. 2015 PMID: 25741868, with internal and published modifications).

NM_198994.3(TGM6):c.245G>C (p.Gly82Ala)

Gene: TGM6 (transglutaminase 6; plus strand). Cytogenetic location: 20p13.
Variant type: single nucleotide variant.
Coding change: c.245G>C on transcript NM_198994.3 (MANE Select); coding-DNA position 245, G replaced by C.
Protein change: p.Gly82Ala; replaces glycine 82 with alanine.
Molecular consequence: missense variant.
Genome position (GRCh38, 1-based): chr20:2,395,257, G>C. VCF-style: chr20-2395257-G-C. GRCh37 (hg19) VCF-style: chr20-2375903-G-C.
Other names: c.245G>C, p.Gly82Ala (NM_001254734.2); short protein forms G82A.
Identifiers: ClinVar variation 746688 (VCV000746688.37), dbSNP rs144094215, ClinGen allele CA9731599.